The following is an entry in ClinVar:

NM_005859.5(PURA):c.518C>A (p.Thr173Lys)

Gene: PURA (purine rich element binding protein A; plus strand). Cytogenetic location: 5q31.3.
Variant type: single nucleotide variant.
Coding change: c.518C>A on transcript NM_005859.5 (MANE Select); coding-DNA position 518, C replaced by A.
Protein change: p.Thr173Lys; replaces threonine 173 with lysine.
Molecular consequence: missense variant.
Genome position (GRCh38, 1-based): chr5:140,114,699, C>A. VCF-style: chr5-140114699-C-A. GRCh37 (hg19) VCF-style: chr5-139494284-C-A.
Other names: short protein forms T173K.
Identifiers: ClinVar variation 946349 (VCV000946349.10), dbSNP rs745982412, ClinGen allele CA361490953.
Genomic context (GRCh38, chr5:140,114,699, plus strand): 5'-GCAAGTACTACATGGATCTCAAGGAGAACCAGCGCGGCCGCTTCCTGCGCATCCGCCAGA[C>A]GGTCAACCGGGGGCCTGGCCTGGGCTCCACGCAGGGCCAGACCATTGCGCTGCCCGCGCA-3'
Protein context (NP_005850.1, residues 163-183): QRGRFLRIRQ[Thr173Lys]VNRGPGLGST

ClinVar aggregate classification (germline): Uncertain significance (1 of 4 stars; one submission).

Conditions:
PURA-related severe neonatal hypotonia-seizures-encephalopathy syndrome (NEDRIHF). Also called: NEURODEVELOPMENTAL DISORDER WITH NEONATAL RESPIRATORY INSUFFICIENCY, HYPOTONIA, AND FEEDING DIFFICULTIES; PURA-Related Neurodevelopmental Disorders. Identifiers: Orphanet 438213, Orphanet 438216, MedGen C4015357, MONDO:1060108, OMIM 616158, MONDO:0018580.

Submission:

Labcorp Genetics (formerly Invitae), Labcorp
Classification: Uncertain significance for PURA-related severe neonatal hypotonia-seizures-encephalopathy syndrome. Last evaluated: 2024-06-21. Review status: criteria provided, single submitter. Criteria: Invitae Variant Classification Sherloc (09022015). Collection method: clinical testing. Allele origin: germline.
Comment: This sequence change replaces threonine, which is neutral and polar, with lysine, which is basic and polar, at codon 173 of the PURA protein (p.Thr173Lys). This variant is not present in population databases (gnomAD no frequency). This variant has not been reported in the literature in individuals affected with PURA-related conditions. ClinVar contains an entry for this variant (Variation ID: 946349). Advanced modeling of protein sequence and biophysical properties (such as structural, functional, and spatial information, amino acid conservation, physicochemical variation, residue mobility, and thermodynamic stability) performed at Invitae indicates that this missense variant is not expected to disrupt PURA protein function with a negative predictive value of 80%. In summary, the available evidence is currently insufficient to determine the role of this variant in disease. Therefore, it has been classified as a Variant of Uncertain Significance.